The following is an entry in ClinVar:

NM_001393769.1(MED12L):c.5712T>G (p.Pro1904=)

Gene: MED12L (mediator complex subunit 12L; plus strand). Cytogenetic location: 3q25.1.
Variant type: single nucleotide variant.
Coding change: c.5712T>G on transcript NM_001393769.1 (MANE Select); coding-DNA position 5712, T replaced by G.
Protein change: p.Pro1904=; no amino-acid change (proline 1904 retained).
Molecular consequence: synonymous variant.
Genome position (GRCh38, 1-based): chr3:151,394,759, T>G. VCF-style: chr3-151394759-T-G. GRCh37 (hg19) VCF-style: chr3-151112547-T-G.
Other names: c.5607T>G, p.Pro1869= (NM_053002.6).
Identifiers: ClinVar variation 4820868 (VCV004820868.4).
Genomic context (GRCh38, chr3:151,394,759, plus strand): 5'-CACCAAACAAGCTCTGTCAAACATGCTACAGCGGCGCTCAGGCGCCATGATGCAGCCGCC[T>G]TCTCTTCATGCAATCACATCGCAGCAGCAGTTGATACAGATGAAGCTTCTGCAGCAGCAG-3'
Protein context (NP_001380698.1, residues 1894-1914): QRRSGAMMQP[Pro1904=]SLHAITSQQQ

ClinVar aggregate classification (germline): Likely benign (1 of 4 stars; one submission).

gnomAD v4.1: 1,552 of 1,614,258 alleles (0.096%); highest among the groups gnomAD compares: Middle Eastern, 0.13%; 4 homozygotes.

Submission:

CeGaT Center for Human Genetics Tuebingen
Classification: Likely benign. Last evaluated: 2026-09-01. Review status: criteria provided, single submitter. Criteria: CeGaT Center For Human Genetics Tuebingen Variant Classification Criteria Version 2. Collection method: clinical testing. Allele origin: germline. Affected: yes. Observed: 3 variant alleles.
Comment: MED12L: BP4, BP7, BS1